The following is an entry in ClinVar:

NM_016151.4(TAOK2):c.2797A>G (p.Thr933Ala)

Gene: TAOK2 (TAO kinase 2; plus strand). Cytogenetic location: 16p11.2.
Variant type: single nucleotide variant.
Coding change: c.2797A>G on transcript NM_016151.4 (MANE Select); coding-DNA position 2797, A replaced by G.
Protein change: p.Thr933Ala; replaces threonine 933 with alanine.
Molecular consequence: missense variant. On other transcripts: intron variant (1).
Genome position (GRCh38, 1-based): chr16:29,987,069, A>G. VCF-style: chr16-29987069-A-G. GRCh37 (hg19) VCF-style: chr16-29998390-A-G.
Other names: c.2458A>G, p.Thr820Ala (NM_001252043.2); c.2232+565A>G (NM_004783.4); short protein forms T820A, T933A.
Identifiers: ClinVar variation 2782895 (VCV002782895.3), dbSNP rs2543666902, ClinGen allele CA395496509.
Genomic context (GRCh38, chr16:29,987,069, plus strand): 5'-ACCCCTAGGGATCCTGGAGATGGTTGTCCTTCCCCCGACATCCCTCCTGAACCCCCTCCA[A>G]CACACCTGAGGCCCTGCCCTGCCAGCCAGCTCCCTGGACTCCTGTCCCATGGCCTCCTGG-3'
Protein context (NP_057235.2, residues 923-943): SPDIPPEPPP[Thr933Ala]HLRPCPASQL

ClinVar aggregate classification (germline): Uncertain significance (1 of 4 stars; one submission).

Submission:

Labcorp Genetics (formerly Invitae), Labcorp
Classification: Uncertain significance. Last evaluated: 2025-07-21. Review status: criteria provided, single submitter. Criteria: Invitae Variant Classification Sherloc (09022015). Collection method: clinical testing. Allele origin: germline.
Comment: This sequence change replaces threonine, which is neutral and polar, with alanine, which is neutral and non-polar, at codon 933 of the TAOK2 protein (p.Thr933Ala). This variant is not present in population databases (gnomAD no frequency). This variant has not been reported in the literature in individuals affected with TAOK2-related conditions. ClinVar contains an entry for this variant (Variation ID: 2782895). An algorithm developed to predict the effect of missense changes on protein structure and function outputs the following: PolyPhen-2: "Benign". The alanine amino acid residue is found in multiple mammalian species, which suggests that this missense change does not adversely affect protein function. In summary, the available evidence is currently insufficient to determine the role of this variant in disease. Therefore, it has been classified as a Variant of Uncertain Significance.